The following is an entry in ClinVar:

ClinVar aggregate classification (germline): Uncertain significance. Review status: criteria provided, multiple submitters, no conflicts (2 of 4 stars). 3 submissions from 3 submitters: Uncertain significance (3). Last evaluated 2025-05-30.

Submissions (3):

Dasa
Classification: Uncertain significance. Last evaluated: 2025-05-30. Review status: criteria provided, single submitter. Criteria: DASA Assertion Criteria. Collection method: clinical testing. Allele origin: germline.
Comment: NM_019066.5(MAGEL2):c.37_38insAC (p.Pro13Hisfs*18) is a frameshift variant in MAGEL2 predicted to alter the reading frame and introduce a premature termination codon and is predicted to result in an absent or altered protein product. This variant is rare in population databases. The currently available literature and clinical evidence are not sufficient to establish a definitive association between this variant and the reported condition. Therefore, this variant is classified as a variant of uncertain significance.

Labcorp Genetics (formerly Invitae), Labcorp
Classification: Uncertain significance. Last evaluated: 2022-08-27. Review status: criteria provided, single submitter. Criteria: Invitae Variant Classification Sherloc (09022015). Collection method: clinical testing. Allele origin: germline.
Comment: In summary, the available evidence is currently insufficient to determine the role of this variant in disease. Therefore, it has been classified as a Variant of Uncertain Significance. Experimental studies and prediction algorithms are not available or were not evaluated, and the functional significance of this variant is currently unknown. ClinVar contains an entry for this variant (Variation ID: 435801). This variant has not been reported in the literature in individuals affected with MAGEL2-related conditions. This variant is not present in population databases (gnomAD no frequency). This sequence change creates a premature translational stop signal (p.Pro13Hisfs*18) in the MAGEL2 gene. While this is not anticipated to result in nonsense mediated decay, it is expected to disrupt the last 1237 amino acid(s) of the MAGEL2 protein.

Genetic Services Laboratory, University of Chicago
Classification: Uncertain significance. Last evaluated: 2017-07-17. Review status: criteria provided, single submitter. Criteria: ACMG Guidelines, 2015. Collection method: clinical testing. Allele origin: germline. Affected: no.

NM_019066.5(MAGEL2):c.37_38insAC (p.Pro13fs)

Gene: MAGEL2 (MAGE family member L2; minus strand). Cytogenetic location: 15q11.2.
Variant type: Insertion.
Coding change: c.37_38insAC on transcript NM_019066.5 (MANE Select); coding-DNA positions 37 to 38, AC inserted.
Protein change: p.Pro13fs; shifts the reading frame from proline 13.
Molecular consequence: frameshift variant.
Genome position: GRCh38 VCF-style: chr15-23647705-G-GGT. GRCh37 (hg19) VCF-style: chr15-23892852-G-GGT.
Other names: short protein forms P13fs.
Identifiers: ClinVar variation 435801 (VCV000435801.13), dbSNP rs1250752332, ClinGen allele CA645372999.